The following is an entry in ClinVar:

ClinVar aggregate classification (germline): Uncertain significance. Review status: criteria provided, multiple submitters, no conflicts (2 of 4 stars). 2 submissions from 2 submitters: Uncertain significance (2). Last evaluated 2025-01-01.

Conditions:
Inborn genetic diseases. Identifiers: MedGen C0950123, MeSH D030342.

Allele frequency attached by ClinVar (database versions not stated): gnomAD exomes 0.00001; ESP Exome Variant Server 0.00008; ExAC 0.00002.
gnomAD v4.1: 18 of 1,613,920 alleles (0.0011%); highest among the groups gnomAD compares: African/African-American, 0.0067%; no homozygotes.

Submissions (2):

Ambry Genetics
Classification: Uncertain significance for Inborn genetic diseases. Last evaluated: 2025-01-01. Review status: criteria provided, single submitter. Criteria: Ambry Variant Classification Scheme 2023. Collection method: clinical testing. Allele origin: germline.

Labcorp Genetics (formerly Invitae), Labcorp
Classification: Uncertain significance. Last evaluated: 2023-08-04. Review status: criteria provided, single submitter. Criteria: Invitae Variant Classification Sherloc (09022015). Collection method: clinical testing. Allele origin: germline.
Comment: In summary, the available evidence is currently insufficient to determine the role of this variant in disease. Therefore, it has been classified as a Variant of Uncertain Significance. Algorithms developed to predict the effect of missense changes on protein structure and function output the following: SIFT: "Not Available"; PolyPhen-2: "Benign"; Align-GVGD: "Not Available". The cysteine amino acid residue is found in multiple mammalian species, which suggests that this missense change does not adversely affect protein function. ClinVar contains an entry for this variant (Variation ID: 1439148). This variant has not been reported in the literature in individuals affected with TTC37-related conditions. This variant is present in population databases (rs142971570, gnomAD 0.006%). This sequence change replaces tyrosine, which is neutral and polar, with cysteine, which is neutral and slightly polar, at codon 396 of the TTC37 protein (p.Tyr396Cys).

NM_014639.4(SKIC3):c.1187A>G (p.Tyr396Cys)

Gene: SKIC3 (SKI3 subunit of superkiller complex; minus strand). Cytogenetic location: 5q15.
Variant type: single nucleotide variant.
Coding change: c.1187A>G on transcript NM_014639.4 (MANE Select); coding-DNA position 1187, A replaced by G.
Protein change: p.Tyr396Cys; replaces tyrosine 396 with cysteine.
Molecular consequence: missense variant.
Genome position (GRCh38, 1-based): chr5:95,525,621, T>C on the plus strand (A>G on the coding strand, the complement: SKIC3 is on the minus strand). VCF-style: chr5-95525621-T-C. GRCh37 (hg19) VCF-style: chr5-94861325-T-C.
Other names: c.1187A>G (NM_014639.3); short protein forms Y396C.
Identifiers: ClinVar variation 1439148 (VCV001439148.5), dbSNP rs142971570, ClinGen allele CA3347401.